The following is an entry in ClinVar:

ClinVar aggregate classification (germline): Uncertain significance (1 of 4 stars; one submission).

Conditions:
POLD1-related polyposis and colorectal cancer syndrome (CRCS10). Also called: Colorectal cancer 10; COLORECTAL CANCER, SUSCEPTIBILITY TO, ON CHROMOSOME 19q; Colorectal cancer, susceptibility to, 10. Identifiers: Orphanet 220460, MedGen C2675481, MONDO:0012953, OMIM 612591.

Submission:

Labcorp Genetics (formerly Invitae), Labcorp
Classification: Uncertain significance for POLD1-related polyposis and colorectal cancer syndrome. Last evaluated: 2021-08-27. Review status: criteria provided, single submitter. Criteria: Invitae Variant Classification Sherloc (09022015). Collection method: clinical testing. Allele origin: germline.
Comment: This sequence change replaces methionine with isoleucine at codon 459 of the POLD1 protein (p.Met459Ile). The methionine residue is weakly conserved and there is a small physicochemical difference between methionine and isoleucine. This variant is not present in population databases (ExAC no frequency). This variant has not been reported in the literature in individuals affected with POLD1-related conditions. Algorithms developed to predict the effect of missense changes on protein structure and function (SIFT, PolyPhen-2, Align-GVGD) all suggest that this variant is likely to be tolerated. In summary, the available evidence is currently insufficient to determine the role of this variant in disease. Therefore, it has been classified as a Variant of Uncertain Significance.

NM_002691.4(POLD1):c.1377G>T (p.Met459Ile)

Gene: POLD1 (DNA polymerase delta 1, catalytic subunit; plus strand). Cytogenetic location: 19q13.33.
Variant type: single nucleotide variant.
Coding change: c.1377G>T on transcript NM_002691.4 (MANE Select); coding-DNA position 1377, G replaced by T.
Protein change: p.Met459Ile; replaces methionine 459 with isoleucine.
Molecular consequence: missense variant. On other transcripts: non-coding transcript variant (1).
Genome position (GRCh38, 1-based): chr19:50,406,316, G>T. VCF-style: chr19-50406316-G-T. GRCh37 (hg19) VCF-style: chr19-50909573-G-T.
Other names: c.1377G>T, p.Met459Ile (NM_001256849.1, NM_001308632.1); short protein forms M459I.
Identifiers: ClinVar variation 1515707 (VCV001515707.6), dbSNP rs2122321952, ClinGen allele CA406979985.